The following is an entry in ClinVar:

ClinVar aggregate classification (germline): Likely benign. Review status: criteria provided, multiple submitters, no conflicts (2 of 4 stars). 3 submissions from 3 submitters: Likely benign (3). Last evaluated 2025-12-21.

Conditions:
Tuberous sclerosis 2 (TSC2). Identifiers: Orphanet 805, MedGen C1860707, MONDO:0013199, OMIM 613254.
Tuberous sclerosis syndrome (TSC). Also called: Tuberous Sclerosis Complex; Tuberous sclerosis. Identifiers: Orphanet 805, MedGen C0041341, MONDO:0001734.

Submissions (3):

Labcorp Genetics (formerly Invitae), Labcorp
Classification: Likely benign for Tuberous sclerosis 2. Last evaluated: 2025-12-21. Review status: criteria provided, single submitter. Criteria: Invitae Variant Classification Sherloc (09022015). Collection method: clinical testing. Allele origin: germline.

Myriad Genetics, Inc.
Classification: Likely benign for Tuberous sclerosis 2. Last evaluated: 2025-05-14. Review status: criteria provided, single submitter. Criteria: Myriad Autosomal Dominant, Autosomal Recessive and X-Linked Classification Criteria (2023). Collection method: clinical testing. Allele origin: unknown.
Comment: This variant is considered likely benign. This variant is intronic and is not expected to impact mRNA splicing.

All of Us Research Program, National Institutes of Health
Classification: Likely benign for Tuberous sclerosis syndrome. Last evaluated: 2023-03-07. Review status: criteria provided, single submitter. Criteria: ACMG Guidelines, 2015. Collection method: clinical testing. Allele origin: germline. Inheritance: Autosomal dominant inheritance. Observed: 1 variant allele, 1 heterozygote.
Comment: This study involves interpretation of variants in research participants for the purpose of population health screening. Participant phenotype was not available at the time of variant classification. Additional details can be found in publication PMID: 35346344, PMCID: PMC8962531

NM_000548.5(TSC2):c.1444-12G>A

Gene: TSC2 (TSC complex subunit 2; plus strand). Cytogenetic location: 16p13.3.
Variant type: single nucleotide variant.
Coding change: c.1444-12G>A on transcript NM_000548.5 (MANE Select); 12 bases into the intron before coding-DNA position 1444, G replaced by A.
Molecular consequence: intron variant.
Genome position (GRCh38, 1-based): chr16:2,064,260, G>A. VCF-style: chr16-2064260-G-A. GRCh37 (hg19) VCF-style: chr16-2114261-G-A.
Other names: c.1444-12G>A (NM_001114382.3, NM_021055.3, NM_001370405.1 and 3 more transcripts); c.1333-12G>A (NM_001318827.2); c.844-12G>A (NM_001318831.2); c.1297-12G>A (NM_001318829.2); c.1477-12G>A (NM_001318832.2).
Identifiers: ClinVar variation 1624689 (VCV001624689.10), dbSNP rs566516726, ClinGen allele CA2573151642.